The following is an entry in ClinVar:

NM_031935.3(HMCN1):c.7937G>A (p.Cys2646Tyr)

Gene: HMCN1 (hemicentin 1; plus strand). Cytogenetic location: 1q31.1.
Variant type: single nucleotide variant.
Coding change: c.7937G>A on transcript NM_031935.3 (MANE Select); coding-DNA position 7937, G replaced by A.
Protein change: p.Cys2646Tyr; replaces cysteine 2646 with tyrosine.
Molecular consequence: missense variant.
Genome position (GRCh38, 1-based): chr1:186,069,720, G>A. VCF-style: chr1-186069720-G-A. GRCh37 (hg19) VCF-style: chr1-186038852-G-A.
Other names: short protein forms C2646Y.
Identifiers: ClinVar variation 1928660 (VCV001928660.5), dbSNP rs759044113, ClinGen allele CA343909600.

ClinVar aggregate classification (germline): Uncertain significance (1 of 4 stars; one submission).

Submission:

Labcorp Genetics (formerly Invitae), Labcorp
Classification: Uncertain significance. Last evaluated: 2024-04-16. Review status: criteria provided, single submitter. Criteria: Invitae Variant Classification Sherloc (09022015). Collection method: clinical testing. Allele origin: germline.
Comment: This sequence change replaces cysteine, which is neutral and slightly polar, with tyrosine, which is neutral and polar, at codon 2646 of the HMCN1 protein (p.Cys2646Tyr). This variant is not present in population databases (gnomAD no frequency). This variant has not been reported in the literature in individuals affected with HMCN1-related conditions. ClinVar contains an entry for this variant (Variation ID: 1928660). An algorithm developed to predict the effect of missense changes on protein structure and function (PolyPhen-2) suggests that this variant is likely to be disruptive. In summary, the available evidence is currently insufficient to determine the role of this variant in disease. Therefore, it has been classified as a Variant of Uncertain Significance.